The following is an entry in ClinVar:

NM_015937.6(PIGT):c.1613T>C (p.Val538Ala)

Gene: PIGT (phosphatidylinositol glycan anchor biosynthesis class T; plus strand). Cytogenetic location: 20q13.12.
Variant type: single nucleotide variant.
Coding change: c.1613T>C on transcript NM_015937.6 (MANE Select); coding-DNA position 1613, T replaced by C.
Protein change: p.Val538Ala; replaces valine 538 with alanine.
Molecular consequence: missense variant. On other transcripts: non-coding transcript variant (5).
Genome position (GRCh38, 1-based): chr20:45,425,702, T>C. VCF-style: chr20-45425702-T-C. GRCh37 (hg19) VCF-style: chr20-44054342-T-C.
Other names: c.1307T>C, p.Val436Ala (NM_001184730.3); c.1445T>C, p.Val482Ala (NM_001184728.3); c.1412T>C, p.Val471Ala (NM_001184729.3); short protein forms V482A, V436A, V471A, V538A.
Identifiers: ClinVar variation 2141565 (VCV002141565.4), dbSNP rs2515567791, ClinGen allele CA409171525.

ClinVar aggregate classification (germline): Uncertain significance (1 of 4 stars; one submission).

Conditions:
Multiple congenital anomalies-hypotonia-seizures syndrome 3 (MCAHS3). Also called: GLYCOSYLPHOSPHATIDYLINOSITOL BIOSYNTHESIS DEFECT 7. Identifiers: Orphanet 369837, MedGen C3809356, MONDO:0014165, OMIM 615398.

Allele frequency attached by ClinVar (database versions not stated): gnomAD exomes 0.00001.

Submission:

Labcorp Genetics (formerly Invitae), Labcorp
Classification: Uncertain significance for Multiple congenital anomalies-hypotonia-seizures syndrome 3. Last evaluated: 2024-05-29. Review status: criteria provided, single submitter. Criteria: Invitae Variant Classification Sherloc (09022015). Collection method: clinical testing. Allele origin: germline.
Comment: This sequence change replaces valine, which is neutral and non-polar, with alanine, which is neutral and non-polar, at codon 538 of the PIGT protein (p.Val538Ala). This variant is not present in population databases (gnomAD no frequency). This variant has not been reported in the literature in individuals affected with PIGT-related conditions. ClinVar contains an entry for this variant (Variation ID: 2141565). Advanced modeling of protein sequence and biophysical properties (such as structural, functional, and spatial information, amino acid conservation, physicochemical variation, residue mobility, and thermodynamic stability) performed at Invitae indicates that this missense variant is expected to disrupt PIGT protein function with a positive predictive value of 80%. In summary, the available evidence is currently insufficient to determine the role of this variant in disease. Therefore, it has been classified as a Variant of Uncertain Significance.